The following is an entry in ClinVar:

ClinVar aggregate classification (germline): Uncertain significance (1 of 4 stars; one submission).

Submission:

GeneDx
Classification: Uncertain significance. Last evaluated: 2022-03-24. Review status: criteria provided, single submitter. Criteria: GeneDx Variant Classification Process June 2021. Collection method: clinical testing. Allele origin: germline. Affected: yes.
Comment: Not observed at significant frequency in large population cohorts (gnomAD); Canonical splice site variant expected to result in aberrant splicing, although in the absence of functional evidence the actual effect of this sequence change is unknown.; Has not been previously published as pathogenic or benign to our knowledge

NM_024411.5(PDYN):c.129+1G>A

Genes: PDYN (prodynorphin; minus strand), PDYN-AS1 (PDYN antisense RNA 1; plus strand). Cytogenetic location: 20p13.
Variant type: single nucleotide variant.
Coding change: c.129+1G>A on transcript NM_024411.5 (MANE Select); the canonical splice donor site of the intron after coding-DNA position 129, G replaced by A.
Molecular consequence: splice donor variant.
Genome position (GRCh38, 1-based): chr20:1,982,955, C>T on the plus strand (G>A on the coding strand, the complement: PDYN is on the minus strand). VCF-style: chr20-1982955-C-T. GRCh37 (hg19) VCF-style: chr20-1963601-C-T.
Other names: c.129+1G>A (NM_001190899.2, NM_001190900.1, NM_001190892.1 and 1 more transcripts).
Identifiers: ClinVar variation 1706990 (VCV001706990.2), dbSNP rs2514350244, ClinGen allele CA408004725.